The following is an entry in ClinVar:

ClinVar aggregate classification (germline): Likely pathogenic (1 of 4 stars; one submission).

Allele frequency attached by ClinVar (database versions not stated): TOPMed below 0.00001.

Submission:

GeneDx
Classification: Likely pathogenic. Last evaluated: 2022-09-20. Review status: criteria provided, single submitter. Criteria: GeneDx Variant Classification Process June 2021. Collection method: clinical testing. Allele origin: germline. Affected: yes.
Comment: Nonsense variant predicted to result in protein truncation or nonsense mediated decay in a gene for which loss of function is a known mechanism of disease; Not observed at significant frequency in large population cohorts (gnomAD); Has not been previously published as pathogenic or benign to our knowledge

NM_017662.5(TRPM6):c.4027C>T (p.Gln1343Ter)

Gene: TRPM6 (transient receptor potential cation channel subfamily M member 6; minus strand). Cytogenetic location: 9q21.13.
Variant type: single nucleotide variant.
Coding change: c.4027C>T on transcript NM_017662.5 (MANE Select); coding-DNA position 4027, C replaced by T.
Protein change: p.Gln1343Ter; replaces glutamine 1343 with a stop codon.
Molecular consequence: nonsense.
Genome position (GRCh38, 1-based): chr9:74,762,644, G>A on the plus strand (C>T on the coding strand, the complement: TRPM6 is on the minus strand). VCF-style: chr9-74762644-G-A. GRCh37 (hg19) VCF-style: chr9-77377560-G-A.
Other names: c.4012C>T, p.Gln1338Ter (NM_001177310.2, NM_001177311.2); short protein forms Q1338*, Q1343*.
Identifiers: ClinVar variation 2444636 (VCV002444636.1), dbSNP rs1826688168, ClinGen allele CA373686348.
Genomic context (GRCh38, chr9:74,762,644, plus strand): 5'-GCAAGACAGTTTCTGCTGAAAAAGGAACTCGCTTTAGATTAGAGGGGACCAGAAGAAACT[G>A]GCCATACTTTGAGTGTGCTTGCCTGTTAGGAGACACCCCAGAAACCACTATACTACTTTG-3'